The following is an entry in ClinVar:

ClinVar aggregate classification (germline): Likely benign. Review status: criteria provided, multiple submitters, no conflicts (2 of 4 stars). 3 submissions from 3 submitters: Likely benign (2). 1 of the submissions does not count toward it. Last evaluated 2025-09-25.

Conditions:
Inborn genetic diseases. Identifiers: MedGen C0950123, MeSH D030342.
CUX2-related disorder. Also called: CUX2-related condition.

Allele frequency attached by ClinVar (database versions not stated): TOPMed 0.00002; ExAC 0.00003; gnomAD exomes 0.00003; gnomAD 0.00004; 1000 Genomes Project 30x 0.00031; 1000 Genomes Project 0.00040.
gnomAD v4.1: 44 of 1,612,662 alleles (0.0027%); highest among the groups gnomAD compares: Admixed American, 0.023%; no homozygotes.

Submissions (3):

Ambry Genetics
Classification: Likely benign for Inborn genetic diseases. Last evaluated: 2025-09-25. Review status: criteria provided, single submitter. Criteria: Ambry Variant Classification Scheme 2023. Collection method: clinical testing. Allele origin: germline.

CeGaT Center for Human Genetics Tuebingen
Classification: Likely benign. Last evaluated: 2022-11-01. Review status: criteria provided, single submitter. Criteria: CeGaT Center For Human Genetics Tuebingen Variant Classification Criteria Version 2. Collection method: clinical testing. Allele origin: germline. Affected: yes. Observed: 1 variant allele.
Comment: CUX2: BP4

PreventionGenetics, part of Exact Sciences
Classification: Uncertain significance for CUX2-related condition. Last evaluated: 2024-08-22. Review status: no assertion criteria provided. Collection method: clinical testing. Allele origin: germline. Not counted in ClinVar's aggregate classification.
Comment: The CUX2 c.1028C>T variant is predicted to result in the amino acid substitution p.Thr343Met. To our knowledge, this variant has not been reported in the literature. This variant is reported in 0.015% of alleles in individuals of Latino descent in gnomAD. At this time, the clinical significance of this variant is uncertain due to the absence of conclusive functional and genetic evidence.

NM_015267.4(CUX2):c.1028C>T (p.Thr343Met)

Gene: CUX2 (cut like homeobox 2; plus strand). Cytogenetic location: 12q24.12.
Variant type: single nucleotide variant.
Coding change: c.1028C>T on transcript NM_015267.4 (MANE Select); coding-DNA position 1028, C replaced by T.
Protein change: p.Thr343Met; replaces threonine 343 with methionine.
Molecular consequence: missense variant.
Genome position (GRCh38, 1-based): chr12:111,307,090, C>T. VCF-style: chr12-111307090-C-T. GRCh37 (hg19) VCF-style: chr12-111744894-C-T.
Other names: c.842C>T, p.Thr281Met (NM_001370598.1); c.1028C>T (NM_015267.3); short protein forms T281M, T343M.
Identifiers: ClinVar variation 2643296 (VCV002643296.24), dbSNP rs527685575, ClinGen allele CA6788543.